The following is an entry in ClinVar:

NM_005732.4(RAD50):c.3603C>G (p.Cys1201Trp)

Genes: RAD50 (RAD50 double strand break repair protein; plus strand), TH2-LCR (Th2 cytokine locus control region; plus strand), TH2LCRR (T helper type 2 locus control region associated RNA; minus strand). Cytogenetic location: 5q31.1.
Variant type: single nucleotide variant.
Coding change: c.3603C>G on transcript NM_005732.4 (MANE Select); coding-DNA position 3603, C replaced by G.
Protein change: p.Cys1201Trp; replaces cysteine 1201 with tryptophan.
Molecular consequence: missense variant. On other transcripts: non-coding transcript variant (3).
Genome position (GRCh38, 1-based): chr5:132,638,208, C>G. VCF-style: chr5-132638208-C-G. GRCh37 (hg19) VCF-style: chr5-131973900-C-G.
Other names: short protein forms C1201W.
Identifiers: ClinVar variation 4149717 (VCV004149717.1).

ClinVar aggregate classification (germline): Uncertain significance (1 of 4 stars; one submission).

Conditions:
Hereditary cancer-predisposing syndrome. Also called: Hereditary neoplastic syndrome; Neoplastic Syndromes, Hereditary; Tumor predisposition; Hereditary Cancer Syndrome. Identifiers: Orphanet 140162, MedGen C0027672, MeSH D009386, MONDO:0015356.

gnomAD v4.1: 1 of 1,614,126 alleles (0.000062%); highest among the groups gnomAD compares: Non-Finnish European, 0.000085%; no homozygotes.

Submission:

Ambry Genetics
Classification: Uncertain significance for Hereditary cancer-predisposing syndrome. Last evaluated: 2025-06-23. Review status: criteria provided, single submitter. Criteria: Ambry Variant Classification Scheme 2023. Collection method: clinical testing. Allele origin: germline.
Comment: The p.C1201W variant (also known as c.3603C>G), located in coding exon 23 of the RAD50 gene, results from a C to G substitution at nucleotide position 3603. The cysteine at codon 1201 is replaced by tryptophan, an amino acid with highly dissimilar properties. This amino acid position is conserved. In addition, this alteration is predicted to be deleterious by in silico analysis. Based on the available evidence, the clinical significance of this variant remains unclear.